The following is an entry in ClinVar:

NM_015272.5(RPGRIP1L):c.1708_1709insTT (p.Lys570fs)

Gene: RPGRIP1L (RPGRIP1 like; minus strand). Cytogenetic location: 16q12.2.
Variant type: Insertion.
Coding change: c.1708_1709insTT on transcript NM_015272.5 (MANE Select); coding-DNA positions 1708 to 1709, TT inserted.
Protein change: p.Lys570fs; shifts the reading frame from lysine 570.
Molecular consequence: frameshift variant.
Genome position: GRCh38 VCF-style: chr16-53652978-T-TAA. GRCh37 (hg19) VCF-style: chr16-53686890-T-TAA.
Other names: c.1708_1709insTT, p.Lys570fs (NM_001127897.4, NM_001308334.3, NM_001330538.2); short protein forms K570fs.
Identifiers: ClinVar variation 1963502 (VCV001963502.5), dbSNP rs970695621, ClinGen allele CA281344399.

ClinVar aggregate classification (germline): Pathogenic (1 of 4 stars; one submission).

Conditions:
Joubert syndrome. Also called: CEREBELLOPARENCHYMAL DISORDER IV; JOUBERT-BOLTSHAUSER SYNDROME; Familial aplasia of the vermis. Identifiers: Orphanet 475, MedGen C5979921, MONDO:0018772.
Meckel-Gruber syndrome. Also called: DYSENCEPHALIA SPLANCHNOCYSTICA; GRUBER SYNDROME; Dysencephalia splachnocystica. Identifiers: Orphanet 564, MedGen C0265215, MONDO:0018921.

Allele frequency attached by ClinVar (database versions not stated): gnomAD exomes below 0.00001; TOPMed below 0.00001.

Submission:

Labcorp Genetics (formerly Invitae), Labcorp
Classification: Pathogenic for Joubert syndrome; Meckel-Gruber syndrome. Last evaluated: 2023-11-27. Review status: criteria provided, single submitter. Criteria: Invitae Variant Classification Sherloc (09022015). Collection method: clinical testing. Allele origin: germline.
Comment: This sequence change creates a premature translational stop signal (p.Lys570Ilefs*32) in the RPGRIP1L gene. It is expected to result in an absent or disrupted protein product. Loss-of-function variants in RPGRIP1L are known to be pathogenic (PMID: 17558409). This variant is not present in population databases (gnomAD no frequency). This variant has not been reported in the literature in individuals affected with RPGRIP1L-related conditions. ClinVar contains an entry for this variant (Variation ID: 1963502). For these reasons, this variant has been classified as Pathogenic.

Literature cited by the submitters: PubMed 17558409.